The following is an entry in ClinVar:

ClinVar aggregate classification (germline): Uncertain significance. Review status: criteria provided, multiple submitters, no conflicts (2 of 4 stars). 3 submissions from 3 submitters: Uncertain significance (3). Last evaluated 2025-03-14.

Conditions:
Neurofibromatosis, type 1 (NF1). Also called: NEUROFIBROMATOSIS, TYPE I, SOMATIC; Peripheral type neurofibromatosis; VON RECKLINGHAUSEN DISEASE; Neurofibromatosis, type I. Identifiers: Orphanet 636, MedGen C0027831, MONDO:0018975, OMIM 162200. Disease mechanism: loss of function.
Juvenile myelomonocytic leukemia (JMML). Also called: LEUKEMIA, JUVENILE MYELOMONOCYTIC, SOMATIC. Identifiers: Orphanet 86834, MedGen C0349639, MONDO:0011908, OMIM 607785, HP:0012209.
Hereditary cancer-predisposing syndrome. Also called: Hereditary neoplastic syndrome; Neoplastic Syndromes, Hereditary; Tumor predisposition; Hereditary Cancer Syndrome. Identifiers: Orphanet 140162, MedGen C0027672, MeSH D009386, MONDO:0015356.
Cardiovascular phenotype. Identifiers: MedGen CN230736.

Allele frequency attached by ClinVar (database versions not stated): gnomAD exomes below 0.00001.
gnomAD v4.1: 2 of 1,614,134 alleles (0.00012%); highest among the groups gnomAD compares: Non-Finnish European, 0.00017%; no homozygotes.

Submissions (3):

Ambry Genetics
Classification: Uncertain significance for Cardiovascular phenotype; Hereditary cancer-predisposing syndrome. Last evaluated: 2025-03-14. Review status: criteria provided, single submitter. Criteria: Ambry Variant Classification Scheme 2023. Collection method: clinical testing. Allele origin: germline.
Comment: The p.I2329K variant (also known as c.6986T>A), located in coding exon 46 of the NF1 gene, results from a T to A substitution at nucleotide position 6986. The isoleucine at codon 2329 is replaced by lysine, an amino acid with dissimilar properties. This amino acid position is not well conserved in available vertebrate species. In addition, this alteration is predicted to be tolerated by in silico analysis. Since supporting evidence is limited at this time, the clinical significance of this alteration remains unclear.

Baylor Genetics
Classification: Uncertain significance for Juvenile myelomonocytic leukemia. Last evaluated: 2023-08-20. Review status: criteria provided, single submitter. Criteria: ACMG Guidelines, 2015. Collection method: clinical testing. Allele origin: unknown.

Labcorp Genetics (formerly Invitae), Labcorp
Classification: Uncertain significance for Neurofibromatosis, type 1. Last evaluated: 2022-11-01. Review status: criteria provided, single submitter. Criteria: Invitae Variant Classification Sherloc (09022015). Collection method: clinical testing. Allele origin: germline.
Comment: This sequence change replaces isoleucine, which is neutral and non-polar, with lysine, which is basic and polar, at codon 2329 of the NF1 protein (p.Ile2329Lys). In summary, the available evidence is currently insufficient to determine the role of this variant in disease. Therefore, it has been classified as a Variant of Uncertain Significance. Advanced modeling of protein sequence and biophysical properties (such as structural, functional, and spatial information, amino acid conservation, physicochemical variation, residue mobility, and thermodynamic stability) performed at Invitae indicates that this missense variant is not expected to disrupt NF1 protein function. ClinVar contains an entry for this variant (Variation ID: 1000212). This variant has not been reported in the literature in individuals affected with NF1-related conditions. This variant is not present in population databases (gnomAD no frequency).

NM_001042492.3(NF1):c.7049T>A (p.Ile2350Lys)

Gene: NF1 (neurofibromin 1; plus strand). Cytogenetic location: 17q11.2.
Variant type: single nucleotide variant.
Coding change: c.7049T>A on transcript NM_001042492.3 (MANE Select); coding-DNA position 7049, T replaced by A.
Protein change: p.Ile2350Lys; replaces isoleucine 2350 with lysine.
Molecular consequence: missense variant.
Genome position (GRCh38, 1-based): chr17:31,340,632, T>A. VCF-style: chr17-31340632-T-A. GRCh37 (hg19) VCF-style: chr17-29667650-T-A.
Other names: c.6986T>A, p.Ile2329Lys (NM_000267.4); short protein forms I2329K, I2350K.
Identifiers: ClinVar variation 1000212 (VCV001000212.9), dbSNP rs2069794814, ClinGen allele CA399015208.